The following is an entry in ClinVar:

NM_018249.6(CDK5RAP2):c.3759C>T (p.Leu1253=)

Gene: CDK5RAP2 (CDK5 regulatory subunit associated protein 2; minus strand). Cytogenetic location: 9q33.2.
Variant type: single nucleotide variant.
Coding change: c.3759C>T on transcript NM_018249.6 (MANE Select); coding-DNA position 3759, C replaced by T.
Protein change: p.Leu1253=; no amino-acid change (leucine 1253 retained).
Molecular consequence: synonymous variant. On other transcripts: non-coding transcript variant (5).
Genome position (GRCh38, 1-based): chr9:120,437,491, G>A on the plus strand (C>T on the coding strand, the complement: CDK5RAP2 is on the minus strand). VCF-style: chr9-120437491-G-A. GRCh37 (hg19) VCF-style: chr9-123199769-G-A.
Other names: c.3759C>T, p.Leu1253= (NM_001011649.3); c.3069C>T, p.Leu1023= (NM_001272039.2); c.3660C>T, p.Leu1220= (NM_001410992.1); c.3663C>T, p.Leu1221= (NM_001410993.1); c.3756C>T, p.Leu1252= (NM_001410994.1).
Identifiers: ClinVar variation 4534520 (VCV004534520.6).

ClinVar aggregate classification (germline): Likely benign (1 of 4 stars; one submission).

gnomAD v4.1: 15 of 1,614,000 alleles (0.00093%); highest among the groups gnomAD compares: Non-Finnish European, 0.0012%; no homozygotes.

Submission:

CeGaT Center for Human Genetics Tuebingen
Classification: Likely benign. Last evaluated: 2025-11-01. Review status: criteria provided, single submitter. Criteria: CeGaT Center For Human Genetics Tuebingen Variant Classification Criteria Version 2. Collection method: clinical testing. Allele origin: germline. Affected: yes. Observed: 1 variant allele.
Comment: CDK5RAP2: BP4, BP7